The following is an entry in ClinVar:

NM_000179.3(MSH6):c.869T>A (p.Leu290Gln)

Gene: MSH6 (mutS homolog 6; plus strand). Cytogenetic location: 2p16.3.
Variant type: single nucleotide variant.
Coding change: c.869T>A on transcript NM_000179.3 (MANE Select); coding-DNA position 869, T replaced by A.
Protein change: p.Leu290Gln; replaces leucine 290 with glutamine.
Molecular consequence: missense variant. On other transcripts: 5 prime UTR variant (2).
Genome position (GRCh38, 1-based): chr2:47,798,852, T>A. VCF-style: chr2-47798852-T-A. GRCh37 (hg19) VCF-style: chr2-48025991-T-A.
Other names: c.479T>A, p.Leu160Gln (NM_001281492.2); c.-38T>A (NM_001281493.2, NM_001281494.2, NM_001406811.1 and 6 more transcripts); c.965T>A, p.Leu322Gln (NM_001406795.1, NM_001406802.1); c.869T>A, p.Leu290Gln (NM_001406796.1, NM_001406798.1, NM_001406800.1 and 4 more transcripts); c.572T>A, p.Leu191Gln (NM_001406797.1, NM_001406801.1, NM_001406805.1 and 10 more transcripts); c.344T>A, p.Leu115Gln (NM_001406799.1, NM_001406806.1, NM_001406807.1); c.791T>A, p.Leu264Gln (NM_001406804.1); c.875T>A, p.Leu292Gln (NM_001406813.1); and 1 more; short protein forms L160Q, L191Q, L290Q, L292Q, L322Q, L115Q, L234Q, L264Q.
Identifiers: ClinVar variation 1942241 (VCV001942241.6), dbSNP rs751309721, ClinGen allele CA346740625.

ClinVar aggregate classification (germline): Uncertain significance. Review status: criteria provided, multiple submitters, no conflicts (2 of 4 stars). 2 submissions from 2 submitters: Uncertain significance (2). Last evaluated 2024-12-12.

Conditions:
Lynch syndrome. Identifiers: Orphanet 144, MedGen C4552100, MONDO:0005835. Disease mechanism: loss of function.
Hereditary nonpolyposis colorectal neoplasms. Identifiers: MedGen C0009405, MeSH D003123.

Submissions (2):

Labcorp Genetics (formerly Invitae), Labcorp
Classification: Uncertain significance for Hereditary nonpolyposis colorectal neoplasms. Last evaluated: 2024-12-12. Review status: criteria provided, single submitter. Criteria: Invitae Variant Classification Sherloc (09022015). Collection method: clinical testing. Allele origin: germline.
Comment: This sequence change replaces leucine, which is neutral and non-polar, with glutamine, which is neutral and polar, at codon 290 of the MSH6 protein (p.Leu290Gln). This variant is not present in population databases (gnomAD no frequency). This variant has not been reported in the literature in individuals affected with MSH6-related conditions. ClinVar contains an entry for this variant (Variation ID: 1942241). Invitae Evidence Modeling of protein sequence and biophysical properties (such as structural, functional, and spatial information, amino acid conservation, physicochemical variation, residue mobility, and thermodynamic stability) indicates that this missense variant is not expected to disrupt MSH6 protein function with a negative predictive value of 95%. In summary, the available evidence is currently insufficient to determine the role of this variant in disease. Therefore, it has been classified as a Variant of Uncertain Significance.

All of Us Research Program, National Institutes of Health
Classification: Uncertain significance for Lynch syndrome. Last evaluated: 2024-03-24. Review status: criteria provided, single submitter. Criteria: ACMG Guidelines, 2015. Collection method: clinical testing. Allele origin: germline. Inheritance: Autosomal dominant inheritance. Observed: 1 variant allele, 1 heterozygote.
Comment: This missense variant replaces leucine with glutamine at codon 290 of the MSH6 protein. Computational prediction suggests that this variant may not impact protein structure and function (internally defined REVEL score threshold <= 0.5, PMID: 27666373). To our knowledge, functional studies have not been reported for this variant. This variant has not been reported in individuals affected with MSH6-related disorders in the literature. This variant has not been identified in the general population by the Genome Aggregation Database (gnomAD). The available evidence is insufficient to determine the role of this variant in disease conclusively. Therefore, this variant is classified as a Variant of Uncertain Significance.

This study involves interpretation of variants in research participants for the purpose of population health screening. Participant phenotype was not available at the time of variant classification. Additional details can be found in publication PMID: 35346344, PMCID: PMC8962531